The following is an entry in ClinVar:

NM_000726.5(CACNB4):c.1318C>G (p.His440Asp)

Gene: CACNB4 (calcium voltage-gated channel auxiliary subunit beta 4; minus strand). Cytogenetic location: 2q23.3.
Variant type: single nucleotide variant.
Coding change: c.1318C>G on transcript NM_000726.5 (MANE Select); coding-DNA position 1318, C replaced by G.
Protein change: p.His440Asp; replaces histidine 440 with aspartic acid.
Molecular consequence: missense variant.
Genome position (GRCh38, 1-based): chr2:151,839,364, G>C on the plus strand (C>G on the coding strand, the complement: CACNB4 is on the minus strand). VCF-style: chr2-151839364-G-C. GRCh37 (hg19) VCF-style: chr2-152695878-G-C.
Other names: c.1264C>G, p.His422Asp (NM_001005746.4); c.1216C>G, p.His406Asp (NM_001005747.4); c.1132C>G, p.His378Asp (NM_001145798.3); c.1177C>G, p.His393Asp (NM_001320722.3, NM_001330118.2); c.1075C>G, p.His359Asp (NM_001330113.2); c.664C>G, p.His222Asp (NM_001330114.2); c.1027C>G, p.His343Asp (NM_001330115.2); c.988C>G, p.His330Asp (NM_001330116.2); and 1 more; short protein forms H440D, H359D, H378D, H393D, H406D, H222D, H330D, H422D.
Identifiers: ClinVar variation 460000 (VCV000460000.10), dbSNP rs1553740358, ClinGen allele CA348811958.
Genomic context (GRCh38, chr2:151,839,364, plus strand): 5'-CATCAGAGGTCATTAGACTTCGTCTTTCAATTGGAGAGTTCTCTGTGGAGTGGTTGCTGT[G>C]CCTCATTCGCTGACTCTAAAAATATCAGATAGTTCATTGATTAAATAATGTCAGCTTCAT-3'
Protein context (NP_000717.2, residues 430-450): ISGLQSQRMR[His440Asp]SNHSTENSPI

ClinVar aggregate classification (germline): Uncertain significance. Review status: criteria provided, multiple submitters, no conflicts (2 of 4 stars). 2 submissions from 2 submitters: Uncertain significance (2). Last evaluated 2024-01-23.

Conditions:
Idiopathic generalized epilepsy. Also called: EIG; Generalised epilepsy. Identifiers: MedGen C0270850, MONDO:0005579, OMIM 600669.

Allele frequency attached by ClinVar (database versions not stated): gnomAD exomes below 0.00001; gnomAD 0.00001; TOPMed 0.00003.
gnomAD v4.1: 3 of 1,608,044 alleles (0.00019%); highest among the groups gnomAD compares: African/African-American, 0.004%; no homozygotes.

Submissions (2):

Ambry Genetics
Classification: Uncertain significance. Last evaluated: 2024-01-23. Review status: criteria provided, single submitter. Criteria: Ambry Variant Classification Scheme 2023. Collection method: clinical testing. Allele origin: germline.

Labcorp Genetics (formerly Invitae), Labcorp
Classification: Uncertain significance for Idiopathic generalized epilepsy. Last evaluated: 2018-10-18. Review status: criteria provided, single submitter. Criteria: Invitae Variant Classification Sherloc (09022015). Collection method: clinical testing. Allele origin: germline.
Comment: This sequence change replaces histidine with aspartic acid at codon 440 of the CACNB4 protein (p.His440Asp). The histidine residue is moderately conserved and there is a moderate physicochemical difference between histidine and aspartic acid. In summary, the available evidence is currently insufficient to determine the role of this variant in disease. Therefore, it has been classified as a Variant of Uncertain Significance. Algorithms developed to predict the effect of missense changes on protein structure and function (SIFT, PolyPhen-2, Align-GVGD) all suggest that this variant is likely to be tolerated, but these predictions have not been confirmed by published functional studies and their clinical significance is uncertain. This variant has not been reported in the literature in individuals with CACNB4-related disease. ClinVar contains an entry for this variant (Variation ID: 460000). This variant is not present in population databases (ExAC no frequency).